The following is an entry in ClinVar:

NM_005236.3(ERCC4):c.1315del (p.Thr439fs)

Gene: ERCC4 (ERCC excision repair 4, endonuclease catalytic subunit; plus strand). Cytogenetic location: 16p13.12.
Variant type: Deletion.
Coding change: c.1315del on transcript NM_005236.3 (MANE Select); coding-DNA position 1315, one base deleted (A; older notation c.1315delA).
Protein change: p.Thr439fs; shifts the reading frame from threonine 439.
Molecular consequence: frameshift variant.
Genome position (GRCh38, 1-based): chr16:13,935,247, A deleted; the last of 4 consecutive A bases (chr16:13,935,244-13,935,247); deleting any one gives the same sequence. VCF-style (leftmost placement, unchanged base first): chr16-13935243-GA-G. GRCh37 (hg19) VCF-style: chr16-14029100-GA-G.
Other names: short protein forms T439fs.
Identifiers: ClinVar variation 3027158 (VCV003027158.22), dbSNP rs2543180252, ClinGen allele CA2740093257.

ClinVar aggregate classification (germline): Pathogenic (1 of 4 stars; one submission).

Submission:

CeGaT Center for Human Genetics Tuebingen
Classification: Pathogenic. Last evaluated: 2024-01-01. Review status: criteria provided, single submitter. Criteria: CeGaT Center For Human Genetics Tuebingen Variant Classification Criteria Version 2. Collection method: clinical testing. Allele origin: germline. Affected: yes. Observed: 1 variant allele.
Comment: ERCC4: PVS1, PM2